The following is an entry in ClinVar:

NM_001105206.3(LAMA4):c.3557+6G>C

Gene: LAMA4 (laminin subunit alpha 4; minus strand). Cytogenetic location: 6q21.
Variant type: single nucleotide variant.
Coding change: c.3557+6G>C on transcript NM_001105206.3 (MANE Select); 6 bases into the intron after coding-DNA position 3557, G replaced by C.
Molecular consequence: intron variant.
Genome position (GRCh38, 1-based): chr6:112,134,461, C>G on the plus strand (G>C on the coding strand, the complement: LAMA4 is on the minus strand). VCF-style: chr6-112134461-C-G. GRCh37 (hg19) VCF-style: chr6-112455663-C-G.
Other names: c.3536+6G>C (NM_002290.5, NM_001105207.3).
Identifiers: ClinVar variation 406152 (VCV000406152.8), dbSNP rs782019593, ClinGen allele CA3965195.

ClinVar aggregate classification (germline): Uncertain significance (1 of 4 stars; one submission).

Conditions:
Dilated cardiomyopathy 1JJ (CMD1JJ). Identifiers: Orphanet 154, MedGen C3808935, MONDO:0014095, OMIM 615235.

Allele frequency attached by ClinVar (database versions not stated): gnomAD 0.00003; TOPMed 0.00004.
gnomAD v4.1: 42 of 1,613,202 alleles (0.0026%); highest among the groups gnomAD compares: Non-Finnish European, 0.0033%; no homozygotes.

Submission:

Labcorp Genetics (formerly Invitae), Labcorp
Classification: Uncertain significance for Dilated cardiomyopathy 1JJ. Last evaluated: 2025-03-25. Review status: criteria provided, single submitter. Criteria: Invitae Variant Classification Sherloc (09022015). Collection method: clinical testing. Allele origin: germline.
Comment: This sequence change falls in intron 26 of the LAMA4 gene. It does not directly change the encoded amino acid sequence of the LAMA4 protein. It affects a nucleotide within the consensus splice site. This variant is present in population databases (rs782019593, gnomAD 0.003%). This variant has not been reported in the literature in individuals affected with LAMA4-related conditions. ClinVar contains an entry for this variant (Variation ID: 406152). Variants that disrupt the consensus splice site are a relatively common cause of aberrant splicing (PMID: 17576681, 9536098). Algorithms developed to predict the effect of sequence changes on RNA splicing suggest that this variant is not likely to affect RNA splicing. In summary, the available evidence is currently insufficient to determine the role of this variant in disease. Therefore, it has been classified as a Variant of Uncertain Significance.

Literature cited by the submitters: PubMed 17576681; PubMed 9536098.